The following is an entry in ClinVar:

ClinVar aggregate classification (germline): Uncertain significance (1 of 4 stars; one submission).

gnomAD v4.1: 1 of 1,558,060 alleles (0.000064%); highest among the groups gnomAD compares: Non-Finnish European, 0.000087%; no homozygotes.

Submission:

GeneDx
Classification: Uncertain significance. Last evaluated: 2025-05-23. Review status: criteria provided, single submitter. Criteria: GeneDx Variant Classification Process June 2021. Collection method: clinical testing. Allele origin: germline. Affected: yes.
Comment: Not observed at significant frequency in large population cohorts (gnomAD); In silico analysis supports that this missense variant has a deleterious effect on protein structure/function; Has not been previously published as pathogenic or benign to our knowledge; This variant is associated with the following publications: (PMID: 15735151)

NM_004655.4(AXIN2):c.1322A>G (p.Asp441Gly)

Gene: AXIN2 (axin 2; minus strand). Cytogenetic location: 17q24.1.
Variant type: single nucleotide variant.
Coding change: c.1322A>G on transcript NM_004655.4 (MANE Select); coding-DNA position 1322, A replaced by G.
Protein change: p.Asp441Gly; replaces aspartic acid 441 with glycine.
Molecular consequence: missense variant.
Genome position (GRCh38, 1-based): chr17:65,537,714, T>C on the plus strand (A>G on the coding strand, the complement: AXIN2 is on the minus strand). VCF-style: chr17-65537714-T-C. GRCh37 (hg19) VCF-style: chr17-63533832-T-C.
Other names: c.1322A>G, p.Asp441Gly (NM_001363813.1); short protein forms D441G.
Identifiers: ClinVar variation 4530738 (VCV004530738.1).